The following is an entry in ClinVar:

ClinVar aggregate classification (germline): Uncertain significance (1 of 4 stars; one submission).

gnomAD v4.1: 5 of 1,614,152 alleles (0.00031%); highest among the groups gnomAD compares: Non-Finnish European, 0.00042%; no homozygotes.

Submission:

GeneDx
Classification: Uncertain significance. Last evaluated: 2024-11-01. Review status: criteria provided, single submitter. Criteria: GeneDx Variant Classification Process June 2021. Collection method: clinical testing. Allele origin: germline. Affected: yes.
Comment: Not observed at significant frequency in large population cohorts (gnomAD); Has not been previously published as pathogenic or benign to our knowledge; In silico analysis is inconclusive as to whether the variant alters gene splicing. In the absence of RNA/functional studies, the actual effect of this sequence change is unknown.

NM_145054.5(CFAP52):c.1472+5G>A

Gene: CFAP52 (cilia and flagella associated protein 52; plus strand). Cytogenetic location: 17p13.1.
Variant type: single nucleotide variant.
Coding change: c.1472+5G>A on transcript NM_145054.5 (MANE Select); 5 bases into the intron after coding-DNA position 1472, G replaced by A.
Molecular consequence: intron variant.
Genome position (GRCh38, 1-based): chr17:9,635,561, G>A. VCF-style: chr17-9635561-G-A. GRCh37 (hg19) VCF-style: chr17-9538878-G-A.
Other names: c.1268+5G>A (NM_001080556.2).
Identifiers: ClinVar variation 3897513 (VCV003897513.1).